The following is an entry in ClinVar:

NM_001365276.2(TNXB):c.9514T>C (p.Leu3172=)

Gene: TNXB (tenascin XB; minus strand). Cytogenetic location: 6p21.33.
Variant type: single nucleotide variant.
Coding change: c.9514T>C on transcript NM_001365276.2 (MANE Select); coding-DNA position 9514, T replaced by C.
Protein change: p.Leu3172=; no amino-acid change (leucine 3172 retained).
Molecular consequence: synonymous variant.
Genome position (GRCh38, 1-based): chr6:32,049,513, A>G on the plus strand (T>C on the coding strand, the complement: TNXB is on the minus strand). VCF-style: chr6-32049513-A-G. GRCh37 (hg19) VCF-style: chr6-32017290-A-G.
Other names: p.Leu3170=; c.9508T>C, p.Leu3170= (NM_019105.8).
Identifiers: ClinVar variation 2464075 (VCV002464075.7), dbSNP rs761329841, ClinGen allele CA3733498.

ClinVar aggregate classification (germline): Likely benign. Review status: criteria provided, multiple submitters, no conflicts (2 of 4 stars). 5 submissions from 5 submitters: Likely benign (4). 1 of the submissions does not count toward it. Last evaluated 2026-01-20.

Conditions:
TNXB-related disorder. Also called: TNXB-related condition.
Cardiovascular phenotype. Identifiers: MedGen CN230736.

Allele frequency attached by ClinVar (database versions not stated): ExAC 0.00007; gnomAD 0.00007; TOPMed 0.00006.
gnomAD v4.1: 68 of 1,611,780 alleles (0.0042%); highest among the groups gnomAD compares: Admixed American, 0.02%; no homozygotes.

Submissions (5):

Women's Health and Genetics/Laboratory Corporation of America, LabCorp
Classification: Likely benign. Last evaluated: 2026-01-20. Review status: criteria provided, single submitter. Criteria: LabCorp Variant Classification Summary - May 2015. Collection method: clinical testing. Allele origin: germline.

Labcorp Genetics (formerly Invitae), Labcorp
Classification: Likely benign. Last evaluated: 2026-01-17. Review status: criteria provided, single submitter. Criteria: Invitae Variant Classification Sherloc (09022015). Collection method: clinical testing. Allele origin: germline.

Mayo Clinic Laboratories, Mayo Clinic
Classification: Likely benign. Last evaluated: 2025-08-28. Review status: criteria provided, single submitter. Criteria: ACMG Guidelines, 2015. Collection method: clinical testing. Allele origin: germline. Observed: 1 variant allele.
Comment: BP4, BP7

Ambry Genetics
Classification: Likely benign for Cardiovascular phenotype. Last evaluated: 2022-12-06. Review status: criteria provided, single submitter. Criteria: Ambry Variant Classification Scheme 2023. Collection method: clinical testing. Allele origin: germline.

PreventionGenetics, part of Exact Sciences
Classification: Likely benign for TNXB-related condition. Last evaluated: 2019-02-21. Review status: no assertion criteria provided. Collection method: clinical testing. Allele origin: germline. Not counted in ClinVar's aggregate classification.
Comment: This variant is classified as likely benign based on ACMG/AMP sequence variant interpretation guidelines (Richards et al. 2015 PMID: 25741868, with internal and published modifications).